The following is an entry in ClinVar:

ClinVar aggregate classification (germline): Uncertain significance (1 of 4 stars; one submission).

Conditions:
Dyskeratosis congenita. Identifiers: Orphanet 1775, MedGen C0265965, MONDO:0015780.

Allele frequency attached by ClinVar (database versions not stated): TOPMed below 0.00001.

Submission:

Labcorp Genetics (formerly Invitae), Labcorp
Classification: Uncertain significance for Dyskeratosis congenita. Last evaluated: 2024-05-22. Review status: criteria provided, single submitter. Criteria: Invitae Variant Classification Sherloc (09022015). Collection method: clinical testing. Allele origin: germline.
Comment: This sequence change replaces leucine, which is neutral and non-polar, with valine, which is neutral and non-polar, at codon 260 of the TINF2 protein (p.Leu260Val). This variant is not present in population databases (gnomAD no frequency). This variant has not been reported in the literature in individuals affected with TINF2-related conditions. ClinVar contains an entry for this variant (Variation ID: 655114). An algorithm developed to predict the effect of missense changes on protein structure and function (PolyPhen-2) suggests that this variant is likely to be disruptive. In summary, the available evidence is currently insufficient to determine the role of this variant in disease. Therefore, it has been classified as a Variant of Uncertain Significance.

NM_001099274.3(TINF2):c.778C>G (p.Leu260Val)

Gene: TINF2 (TERF1 interacting nuclear factor 2; minus strand). Cytogenetic location: 14q12.
Variant type: single nucleotide variant.
Coding change: c.778C>G on transcript NM_001099274.3 (MANE Select); coding-DNA position 778, C replaced by G.
Protein change: p.Leu260Val; replaces leucine 260 with valine.
Molecular consequence: missense variant.
Genome position (GRCh38, 1-based): chr14:24,240,702, G>C on the plus strand (C>G on the coding strand, the complement: TINF2 is on the minus strand). VCF-style: chr14-24240702-G-C. GRCh37 (hg19) VCF-style: chr14-24709908-G-C.
Other names: c.673C>G, p.Leu225Val (NM_001363668.2); c.778C>G, p.Leu260Val (NM_012461.3); short protein forms L260V, L225V.
Identifiers: ClinVar variation 655114 (VCV000655114.8), dbSNP rs1594551733, ClinGen allele CA389226409.